The following is an entry in ClinVar:

NM_024675.4(PALB2):c.1005T>A (p.Asn335Lys)

Gene: PALB2 (partner and localizer of BRCA2; minus strand). Cytogenetic location: 16p12.2.
Variant type: single nucleotide variant.
Coding change: c.1005T>A on transcript NM_024675.4 (MANE Select); coding-DNA position 1005, T replaced by A.
Protein change: p.Asn335Lys; replaces asparagine 335 with lysine.
Molecular consequence: missense variant. On other transcripts: intron variant (3).
Genome position (GRCh38, 1-based): chr16:23,635,541, A>T on the plus strand (T>A on the coding strand, the complement: PALB2 is on the minus strand). VCF-style: chr16-23635541-A-T. GRCh37 (hg19) VCF-style: chr16-23646862-A-T.
Other names: c.945T>A, p.Asn315Lys (NM_001407296.1); c.1005T>A, p.Asn335Lys (NM_001407297.1, NM_001407298.1, NM_001407299.1 and 3 more transcripts); c.120T>A, p.Asn40Lys (NM_001407304.1, NM_001407305.1, NM_001407306.1 and 5 more transcripts); c.48+5569T>A (NM_001407314.1); c.-104-5072T>A (NM_001407313.1, NM_001407312.1); short protein forms N315K, N40K, N335K.
Identifiers: ClinVar variation 3413471 (VCV003413471.3).

ClinVar aggregate classification (germline): Uncertain significance. Review status: criteria provided, multiple submitters, no conflicts (2 of 4 stars). 2 submissions from 2 submitters: Uncertain significance (2). Last evaluated 2024-09-23.

Conditions:
Hereditary cancer-predisposing syndrome. Also called: Neoplastic Syndromes, Hereditary; Tumor predisposition; Hereditary Cancer Syndrome; Hereditary neoplastic syndrome. Identifiers: Orphanet 140162, MedGen C0027672, MeSH D009386, MONDO:0015356.
Familial cancer of breast. Also called: BREAST CANCER, FAMILIAL; Hereditary breast cancer; hereditary breast carcinoma. Identifiers: Orphanet 227535, MedGen C0346153, MONDO:0016419, OMIM 114480. Disease mechanism: loss of function.

gnomAD v4.1: 1 of 1,613,240 alleles (0.000062%); highest among the groups gnomAD compares: African/African-American, 0.0013%; no homozygotes.

Submissions (2):

Ambry Genetics
Classification: Uncertain significance for Hereditary cancer-predisposing syndrome. Last evaluated: 2024-09-23. Review status: criteria provided, single submitter. Criteria: Ambry Variant Classification Scheme 2023. Collection method: clinical testing. Allele origin: germline.
Comment: The p.N335K variant (also known as c.1005T>A), located in coding exon 4 of the PALB2 gene, results from a T to A substitution at nucleotide position 1005. The asparagine at codon 335 is replaced by lysine, an amino acid with similar properties. This amino acid position is conserved. In addition, this alteration is predicted to be tolerated by in silico analysis. Based on the available evidence, the clinical significance of this variant remains unclear.

Labcorp Genetics (formerly Invitae), Labcorp
Classification: Uncertain significance for Familial cancer of breast. Last evaluated: 2024-02-08. Review status: criteria provided, single submitter. Criteria: Invitae Variant Classification Sherloc (09022015). Collection method: clinical testing. Allele origin: germline.
Comment: This sequence change replaces asparagine, which is neutral and polar, with lysine, which is basic and polar, at codon 335 of the PALB2 protein (p.Asn335Lys). This variant is not present in population databases (gnomAD no frequency). This variant has not been reported in the literature in individuals affected with PALB2-related conditions. Advanced modeling of protein sequence and biophysical properties (such as structural, functional, and spatial information, amino acid conservation, physicochemical variation, residue mobility, and thermodynamic stability) performed at Invitae indicates that this missense variant is not expected to disrupt PALB2 protein function with a negative predictive value of 80%. In summary, the available evidence is currently insufficient to determine the role of this variant in disease. Therefore, it has been classified as a Variant of Uncertain Significance.